The following is an entry in ClinVar:

ClinVar aggregate classification (germline): Uncertain significance. Review status: criteria provided, multiple submitters, no conflicts (2 of 4 stars). 2 submissions from 2 submitters: Uncertain significance (2). Last evaluated 2023-08-24.

Submissions (2):

Labcorp Genetics (formerly Invitae), Labcorp
Classification: Uncertain significance. Last evaluated: 2023-08-24. Review status: criteria provided, single submitter. Criteria: Invitae Variant Classification Sherloc (09022015). Collection method: clinical testing. Allele origin: germline.
Comment: In summary, the available evidence is currently insufficient to determine the role of this variant in disease. Therefore, it has been classified as a Variant of Uncertain Significance. Advanced modeling of protein sequence and biophysical properties (such as structural, functional, and spatial information, amino acid conservation, physicochemical variation, residue mobility, and thermodynamic stability) performed at Invitae indicates that this missense variant is not expected to disrupt GRIN2D protein function. This variant has not been reported in the literature in individuals affected with GRIN2D-related conditions. This variant is not present in population databases (gnomAD no frequency). This sequence change replaces alanine, which is neutral and non-polar, with glycine, which is neutral and non-polar, at codon 241 of the GRIN2D protein (p.Ala241Gly).

Blueprint Genetics
Classification: Uncertain significance. Last evaluated: 2019-06-13. Review status: criteria provided, single submitter. Criteria: ACMG Guidelines, 2015. Collection method: clinical testing. Allele origin: germline.

NM_000836.4(GRIN2D):c.722C>G (p.Ala241Gly)

Gene: GRIN2D (glutamate ionotropic receptor NMDA type subunit 2D; plus strand). Cytogenetic location: 19q13.33.
Variant type: single nucleotide variant.
Coding change: c.722C>G on transcript NM_000836.4 (MANE Select); coding-DNA position 722, C replaced by G.
Protein change: p.Ala241Gly; replaces alanine 241 with glycine.
Molecular consequence: missense variant.
Genome position (GRCh38, 1-based): chr19:48,404,990, C>G. VCF-style: chr19-48404990-C-G. GRCh37 (hg19) VCF-style: chr19-48908247-C-G.
Other names: short protein forms A241G.
Identifiers: ClinVar variation 2824955 (VCV002824955.4), dbSNP rs2513664426, ClinGen allele CA406691980.